The following is an entry in ClinVar:

NM_015047.3(EMC1):c.2246A>T (p.Asp749Val)

Genes: EMC1 (ER membrane protein complex subunit 1; minus strand), EMC1-AS1 (EMC1 antisense RNA 1; plus strand). Cytogenetic location: 1p36.13.
Variant type: single nucleotide variant.
Coding change: c.2246A>T on transcript NM_015047.3 (MANE Select); coding-DNA position 2246, A replaced by T.
Protein change: p.Asp749Val; replaces aspartic acid 749 with valine.
Molecular consequence: missense variant.
Genome position (GRCh38, 1-based): chr1:19,223,526, T>A on the plus strand (A>T on the coding strand, the complement: EMC1 is on the minus strand). VCF-style: chr1-19223526-T-A. GRCh37 (hg19) VCF-style: chr1-19550020-T-A.
Other names: c.2252A>T, p.Asp751Val (NM_001375821.1); c.2243A>T, p.Asp748Val (NM_001271427.2, NM_001271428.2); c.2180A>T, p.Asp727Val (NM_001271429.2); c.2255A>T, p.Asp752Val (NM_001375820.1); short protein forms D749V, D751V, D748V, D727V, D752V.
Identifiers: ClinVar variation 2795782 (VCV002795782.3), dbSNP rs2536672263, ClinGen allele CA338755125.

ClinVar aggregate classification (germline): Uncertain significance (1 of 4 stars; one submission).

Allele frequency attached by ClinVar (database versions not stated): gnomAD exomes 0.00001.
gnomAD v4.1: 6 of 1,614,114 alleles (0.00037%); highest among the groups gnomAD compares: Non-Finnish European, 0.00051%; no homozygotes.

Submission:

Labcorp Genetics (formerly Invitae), Labcorp
Classification: Uncertain significance. Last evaluated: 2023-12-19. Review status: criteria provided, single submitter. Criteria: Invitae Variant Classification Sherloc (09022015). Collection method: clinical testing. Allele origin: germline.
Comment: This sequence change replaces aspartic acid, which is acidic and polar, with valine, which is neutral and non-polar, at codon 749 of the EMC1 protein (p.Asp749Val). This variant is not present in population databases (gnomAD no frequency). This variant has not been reported in the literature in individuals affected with EMC1-related conditions. Advanced modeling of protein sequence and biophysical properties (such as structural, functional, and spatial information, amino acid conservation, physicochemical variation, residue mobility, and thermodynamic stability) performed at Invitae indicates that this missense variant is expected to disrupt EMC1 protein function with a positive predictive value of 80%. In summary, the available evidence is currently insufficient to determine the role of this variant in disease. Therefore, it has been classified as a Variant of Uncertain Significance.